The following is an entry in ClinVar:

ClinVar aggregate classification (germline): Benign/Likely benign. Review status: criteria provided, multiple submitters, no conflicts (2 of 4 stars). 6 submissions from 6 submitters: Benign (1); Likely benign (5). Last evaluated 2025-05-05.

Conditions:
Inborn genetic diseases. Identifiers: MedGen C0950123, MeSH D030342.
Kleefstra syndrome 1 (KLEFS1). Identifiers: Orphanet 261494, MedGen C0795833, MONDO:0027407, OMIM 610253.
Intellectual disability. Also called: Intellectual functioning disability; Intellectual developmental disorder; intellectual disabilities. Identifiers: MedGen C3714756, MeSH D008607, MONDO:0001071, HP:0001249.

Allele frequency attached by ClinVar (database versions not stated): gnomAD 0.00006; TOPMed 0.00007; ExAC 0.00008; ESP Exome Variant Server 0.00008; gnomAD exomes 0.00011 and 0.00014.
gnomAD v4.1: 221 of 1,613,962 alleles (0.014%); highest among the groups gnomAD compares: Non-Finnish European, 0.018%; 1 homozygote.

Submissions (6):

Labcorp Genetics (formerly Invitae), Labcorp
Classification: Benign for Kleefstra syndrome 1. Last evaluated: 2025-05-05. Review status: criteria provided, single submitter. Criteria: Invitae Variant Classification Sherloc (09022015). Collection method: clinical testing. Allele origin: germline.

Blueprint Genetics
Classification: Likely benign. Last evaluated: 2024-06-25. Review status: criteria provided, single submitter. Criteria: ACMG Guidelines, 2015. Collection method: clinical testing. Allele origin: germline.

CeGaT Center for Human Genetics Tuebingen
Classification: Likely benign. Last evaluated: 2022-08-01. Review status: criteria provided, single submitter. Criteria: CeGaT Center For Human Genetics Tuebingen Variant Classification Criteria Version 2. Collection method: clinical testing. Allele origin: germline. Affected: yes. Observed: 2 variant alleles.
Comment: EHMT1: BP4

Ambry Genetics
Classification: Likely benign for Inborn genetic diseases. Last evaluated: 2021-11-16. Review status: criteria provided, single submitter. Criteria: Ambry Variant Classification Scheme 2023. Collection method: clinical testing. Allele origin: germline.

GeneDx
Classification: Likely benign. Last evaluated: 2020-09-23. Review status: criteria provided, single submitter. Criteria: GeneDx Variant Classification Process June 2021. Collection method: clinical testing. Allele origin: germline. Affected: yes.

Cambridge Genomics Laboratory, East Genomic Laboratory Hub, NHS Genomic Medicine Service
Classification: Likely benign for Intellectual disability. Last evaluated: 2020-04-29. Review status: criteria provided, single submitter. Criteria: ACGS Best Practice Guidelines for Variant Classification in Rare Disease 2020. Collection method: clinical testing. Allele origin: germline. Affected: yes. Observed: 1 variant allele.

NM_024757.5(EHMT1):c.1402G>A (p.Ala468Thr)

Gene: EHMT1 (euchromatic histone lysine methyltransferase 1; plus strand). Cytogenetic location: 9q34.3.
Variant type: single nucleotide variant.
Coding change: c.1402G>A on transcript NM_024757.5 (MANE Select); coding-DNA position 1402, G replaced by A.
Protein change: p.Ala468Thr; replaces alanine 468 with threonine.
Molecular consequence: missense variant.
Genome position (GRCh38, 1-based): chr9:137,757,912, G>A. VCF-style: chr9-137757912-G-A. GRCh37 (hg19) VCF-style: chr9-140652364-G-A.
Other names: c.1402G>A, p.Ala468Thr (NM_001145527.2, NM_001354611.2); c.1309G>A, p.Ala437Thr (NM_001354259.2, NM_001354612.2); c.1381G>A, p.Ala461Thr (NM_001354263.2); short protein forms A468T, A437T, A461T.
Identifiers: ClinVar variation 366009 (VCV000366009.52), dbSNP rs202097707, ClinGen allele CA5374615.